The following is an entry in ClinVar:

ClinVar aggregate classification (germline): Pathogenic. Review status: criteria provided, single submitter (1 of 4 stars). 2 submissions from 2 submitters: Pathogenic (1). 1 of the submissions does not count toward it. Last evaluated 2022-09-29.

Conditions:
ALG1-congenital disorder of glycosylation. Also called: ALG1-CDG; CDG Ik; CONGENITAL DISORDER OF GLYCOSYLATION, TYPE Ik. Identifiers: Orphanet 79327, MedGen C2931005, MONDO:0012052, OMIM 608540.

Allele frequency attached by ClinVar (database versions not stated): gnomAD exomes below 0.00001; ExAC 0.00001; gnomAD 0.00001; 1000 Genomes Project 30x 0.00016; 1000 Genomes Project 0.00020.
gnomAD v4.1: 4 of 1,614,154 alleles (0.00025%); highest among the groups gnomAD compares: African/African-American, 0.0027%; no homozygotes.

Submissions (2):

Labcorp Genetics (formerly Invitae), Labcorp
Classification: Pathogenic for ALG1-congenital disorder of glycosylation. Last evaluated: 2022-09-29. Review status: criteria provided, single submitter. Criteria: Invitae Variant Classification Sherloc (09022015). Collection method: clinical testing. Allele origin: germline.
Comment: For these reasons, this variant has been classified as Pathogenic. Experimental studies have shown that this missense change affects ALG1 function (PMID: 14709599). Advanced modeling of protein sequence and biophysical properties (such as structural, functional, and spatial information, amino acid conservation, physicochemical variation, residue mobility, and thermodynamic stability) performed at Invitae indicates that this missense variant is not expected to disrupt ALG1 protein function. ClinVar contains an entry for this variant (Variation ID: 4726). This missense change has been observed in individual(s) with ALG1-congenital disorder of glycosylation (PMID: 14709599, 20679665, 26931382). In at least one individual the data is consistent with being in trans (on the opposite chromosome) from a pathogenic variant. The frequency data for this variant in the population databases is considered unreliable, as metrics indicate poor data quality at this position in the gnomAD database. This sequence change replaces serine, which is neutral and polar, with arginine, which is basic and polar, at codon 150 of the ALG1 protein (p.Ser150Arg).

OMIM
Classification: Pathogenic for CONGENITAL DISORDER OF GLYCOSYLATION, TYPE Ik. Last evaluated: 2004-03-01. Review status: no assertion criteria provided. Collection method: literature only. Allele origin: germline. Not counted in ClinVar's aggregate classification.

Literature cited by the submitters: PubMed 14709599 (cited by Labcorp Genetics (formerly Invitae), Labcorp and OMIM); PubMed 20679665 (cited by Labcorp Genetics (formerly Invitae), Labcorp); PubMed 26931382 (cited by Labcorp Genetics (formerly Invitae), Labcorp).

NM_019109.5(ALG1):c.450C>G (p.Ser150Arg)

Gene: ALG1 (ALG1 chitobiosyldiphosphodolichol beta-mannosyltransferase; plus strand). Cytogenetic location: 16p13.3.
Variant type: single nucleotide variant.
Coding change: c.450C>G on transcript NM_019109.5 (MANE Select); coding-DNA position 450, C replaced by G.
Protein change: p.Ser150Arg; replaces serine 150 with arginine.
Molecular consequence: missense variant.
Genome position (GRCh38, 1-based): chr16:5,075,447, C>G. VCF-style: chr16-5075447-C-G. GRCh37 (hg19) VCF-style: chr16-5125448-C-G.
Other names: c.117C>G, p.Ser39Arg (NM_001330504.2); short protein forms S150R, S39R.
Identifiers: ClinVar variation 4726 (VCV000004726.6), dbSNP rs121908340, ClinGen allele CA277941.
Genomic context (GRCh38, chr16:5,075,447, plus strand): 5'-GAACCCCCCAGGTCTGCCTAGCATTGCTGTCTGCTGGTTCGTGGGCTGCCTTTGTGGAAG[C>G]AAGCTCGTCATTGACTGGCACAACTATGGCTACTCCATCATGGGTCTGGTGCATGGCCCC-3'
Protein context (NP_061982.3, residues 140-160): VCWFVGCLCG[Ser150Arg]KLVIDWHNYG